The following is an entry in ClinVar:

ClinVar aggregate classification (germline): Conflicting classifications of pathogenicity. Review status: criteria provided, conflicting classifications (1 of 4 stars). 3 submissions from 3 submitters: Pathogenic (2); Uncertain significance (1). Last evaluated 2026-06-03.

Conditions:
Colorectal cancer, hereditary nonpolyposis, type 7. Identifiers: Orphanet 144, MedGen C1858380, MONDO:0013725, OMIM 614385.

Allele frequency attached by ClinVar (database versions not stated): gnomAD exomes 0.00002; gnomAD 0.00004 and 0.00003; TOPMed 0.00003.

Submissions (3):

Ambry Genetics
Classification: Pathogenic. Last evaluated: 2026-06-03. Review status: criteria provided, single submitter. Criteria: Ambry Variant Classification Scheme 2023. Collection method: clinical testing. Allele origin: germline.
Comment: The p.Q200* pathogenic mutation (also known as c.598C>T), located in coding exon 1 of the MLH3 gene, results from a C to T substitution at nucleotide position 598. This changes the amino acid from a glutamine to a stop codon within coding exon 1. This alteration is expected to result in loss of function by premature protein truncation or nonsense-mediated mRNA decay. As such, this alteration is interpreted as a disease-causing mutation.

Myriad Genetics, Inc.
Classification: Pathogenic for Colorectal cancer, hereditary nonpolyposis, type 7. Last evaluated: 2025-11-20. Review status: criteria provided, single submitter. Criteria: Myriad Autosomal Dominant, Autosomal Recessive and X-Linked Classification Criteria (2023). Collection method: clinical testing. Allele origin: unknown.
Comment: This variant is considered pathogenic. This variant creates a termination codon and is predicted to result in premature protein truncation.

Labcorp Genetics (formerly Invitae), Labcorp
Classification: Uncertain significance for Colorectal cancer, hereditary nonpolyposis, type 7. Last evaluated: 2025-08-17. Review status: criteria provided, single submitter. Criteria: Invitae Variant Classification Sherloc (09022015). Collection method: clinical testing. Allele origin: germline.
Comment: This sequence change creates a premature translational stop signal (p.Gln200*) in the MLH3 gene. It is expected to result in an absent or disrupted protein product. However, the current clinical and genetic evidence is not sufficient to establish whether loss-of-function variants in MLH3 cause disease. This variant is present in population databases (no rsID available, gnomAD 0.004%). This variant has not been reported in the literature in individuals affected with MLH3-related conditions. ClinVar contains an entry for this variant (Variation ID: 410884). In summary, the available evidence is currently insufficient to determine the role of this variant in disease. Therefore, it has been classified as a Variant of Uncertain Significance.

NM_001040108.2(MLH3):c.598C>T (p.Gln200Ter)

Gene: MLH3 (mutL homolog 3; minus strand). Cytogenetic location: 14q24.3.
Variant type: single nucleotide variant.
Coding change: c.598C>T on transcript NM_001040108.2 (MANE Select); coding-DNA position 598, C replaced by T.
Protein change: p.Gln200Ter; replaces glutamine 200 with a stop codon.
Molecular consequence: nonsense.
Genome position (GRCh38, 1-based): chr14:75,049,058, G>A on the plus strand (C>T on the coding strand, the complement: MLH3 is on the minus strand). VCF-style: chr14-75049058-G-A. GRCh37 (hg19) VCF-style: chr14-75515761-G-A.
Other names: c.598C>T, p.Gln200Ter (NM_014381.3); short protein forms Q200*.
Identifiers: ClinVar variation 410884 (VCV000410884.14), dbSNP rs1039843487, ClinGen allele CA16614463.